The following is an entry in ClinVar:

ClinVar aggregate classification (germline): Likely benign. Review status: reviewed by expert panel (3 of 4 stars). 8 submissions from 8 submitters: Likely benign (1). 7 of the submissions do not count toward it. Last evaluated 2025-10-08.

Conditions:
Inborn genetic diseases. Identifiers: MedGen C0950123, MeSH D030342.
Cerebral creatine deficiency syndrome. Also called: Creatine deficiency syndromes. Identifiers: Orphanet 79172, MedGen C5244016, MONDO:0000456.
Deficiency of guanidinoacetate methyltransferase (CCDS2). Also called: CEREBRAL CREATINE DEFICIENCY SYNDROME 2; Guanidinoacetate Methyltransferase (GAMT) Deficiency; GAMT DEFICIENCY. Identifiers: Orphanet 382, MedGen C0574080, MONDO:0012999, OMIM 612736.

Allele frequency attached by ClinVar (database versions not stated): ExAC below 0.00001; TOPMed 0.00009; gnomAD 0.00014; gnomAD exomes 0.00014 and 0.00017.
gnomAD v4.1: 244 of 1,391,918 alleles (0.018%); highest among the groups gnomAD compares: Middle Eastern, 0.26%; 1 homozygote.

Submissions (8):

ClinGen Cerebral Creatine Deficiency Syndromes Variant Curation Expert Panel, ClinGen
Classification: Likely benign for Deficiency of guanidinoacetate methyltransferase. Last evaluated: 2025-10-08. Review status: reviewed by expert panel. Criteria: ClinGen CCDS ACMG Specifications GAMT V2.0.0. Collection method: curation. Allele origin: germline. Inheritance: Autosomal recessive inheritance.
Comment: The NM_000156.6:c.22C>A variant in GAMT is a missense variant that is predicted to result in the substitution of proline by threonine at amino acid 8 (p.Pro8Thr). One patient, who is heterozygous for the variant, has been reported. Urine and plasma guanidinoacetate were elevated 2.5 and 1.8 times, respectively. However, on 1H-MRS, creatine peak was about 90% of normal, marginally low, which was not suggestive of GAMT deficiency(PMID: 24415674) (PP4 not applied). GAA-deficient fibroblasts overexpressing the c.22C>A (p.Pro8Thr) variant showed similar GAMT enzyme activity as those transfected with wild-type cDNA (PMID: 24415674) (BS3_Supporting). The computational predictor REVEL gives a score of 0.479 which is below the threshold of 0.5, evidence that does not predict a damaging effect on GAMT function (BP4). The highest population minor allele frequency (MAF) in gnomAD v4.1.0 is 0.002564 (10/3900 alleles) in the Middle Eastern population; there is one homozygote in the European non-Finnish population, in gnomAD v4.1.0. While the MAF is lower than the ClinGen CCDS VCEP’s threshold for PM2_Supporting (<0.0004), PM2_Supporting is not met due to presence of a homozygote. Because GAMT deficiency is a severe, pediatric onset condition, the presence of a homozygote supports benignity (BS2). There is a ClinVar entry for this variant (Variation ID: 205598). In summary, this variant meets the criteria to be classified as likely benign for GAMT deficiency. GAMT-specific ACMG/AMP criteria met, based on the specifications of the ClinGen Cerebral Creatine Deficiencies VCEP (Specifications Version 2.0.0.): BS2, BS3_Supporting (Classification approved by the ClinGen Cerebral Creatine Deficiencies VCEP on October 8, 2025)

Blueprint Genetics
Classification: Uncertain significance. Last evaluated: 2024-09-20. Review status: criteria provided, single submitter. Criteria: ACMG Guidelines, 2015. Collection method: clinical testing. Allele origin: germline. Not counted in ClinVar's aggregate classification.

Revvity Omics, Revvity
Classification: Uncertain significance for Deficiency of guanidinoacetate methyltransferase. Last evaluated: 2023-11-02. Review status: criteria provided, single submitter. Criteria: ACMG Guidelines, 2015. Collection method: clinical testing. Allele origin: germline. Not counted in ClinVar's aggregate classification.

Labcorp Genetics (formerly Invitae), Labcorp
Classification: Uncertain significance for Cerebral creatine deficiency syndrome. Last evaluated: 2022-10-24. Review status: criteria provided, single submitter. Criteria: Invitae Variant Classification Sherloc (09022015). Collection method: clinical testing. Allele origin: germline. Not counted in ClinVar's aggregate classification.
Comment: This sequence change replaces proline, which is neutral and non-polar, with threonine, which is neutral and polar, at codon 8 of the GAMT protein (p.Pro8Thr). This variant is present in population databases (rs776498025, gnomAD 0.02%). This missense change has been observed in individual(s) with severe GDD, hypotonia, intractable epilepsy (PMID: 24415674). ClinVar contains an entry for this variant (Variation ID: 205598). Advanced modeling of protein sequence and biophysical properties (such as structural, functional, and spatial information, amino acid conservation, physicochemical variation, residue mobility, and thermodynamic stability) has been performed at Invitae for this missense variant, however the output from this modeling did not meet the statistical confidence thresholds required to predict the impact of this variant on GAMT protein function. Experimental studies have shown that this missense change does not substantially affect GAMT function (PMID: 24415674). In summary, the available evidence is currently insufficient to determine the role of this variant in disease. Therefore, it has been classified as a Variant of Uncertain Significance.

GeneDx
Classification: Likely benign. Last evaluated: 2020-01-28. Review status: criteria provided, single submitter. Criteria: GeneDx Variant Classification Process June 2021. Collection method: clinical testing. Allele origin: germline. Affected: yes. Not counted in ClinVar's aggregate classification.
Comment: This variant is associated with the following publications: (PMID: 26003046, 24415674)

Illumina Laboratory Services, Illumina
Classification: Uncertain significance for Deficiency of guanidinoacetate methyltransferase. Last evaluated: 2017-04-28. Review status: criteria provided, single submitter. Criteria: ICSL Variant Classification Criteria 13 December 2019. Collection method: clinical testing. Allele origin: germline. Not counted in ClinVar's aggregate classification.
Comment: This variant was observed as part of a predisposition screen in an ostensibly healthy population. A literature search was performed for the gene, cDNA change, and amino acid change (where applicable). Publications were found based on this search. However, the evidence from the literature, in combination with allele frequency data from public databases where available, was not sufficient to rule this variant in or out of causing disease. Therefore, this variant is classified as a variant of unknown significance.

Ambry Genetics
Classification: Uncertain significance for Inborn genetic diseases. Last evaluated: 2017-03-07. Review status: criteria provided, single submitter. Criteria: Ambry Variant Classification Scheme 2023. Collection method: clinical testing. Allele origin: germline. Not counted in ClinVar's aggregate classification.
Comment: The p.P8T variant (also known as c.22C>A), located in coding exon 1 of the GAMT gene, results from a C to A substitution at nucleotide position 22. The proline at codon 8 is replaced by threonine, an amino acid with highly similar properties. This alteration was found to be heterozygous in one individual with no identifiable second alteration in the GAMT gene who presented with severe global developmental delay, hypotonia, and intractable epilepsy of unknown etiology; however, the individual&rsquo;s MRS imaging was not consistent with guanidinoacetate methyltransferase deficiency (GAMT-D) (Mercimek-Mahmutoglu S et al. Hum. Mutat., 2014 Apr; 35:462-9; Desroches CL et al. Mol. Genet. Genomics, 2015 Dec; 290:2163-71). In addition, functional studies suggested that the alteration did not impact GAMT enzyme activity (Mercimek-Mahmutoglu S et al. Hum. Mutat., 2014 Apr; 35:462-9; Desroches CL et al. Mol. Genet. Genomics, 2015 Dec; 290:2163-71). This amino acid position is well conserved in available vertebrate species. In addition, the in silico prediction for this alteration is inconclusive. Since supporting evidence is limited at this time, the clinical significance of this alteration remains unclear.

Natera, Inc.
Classification: Uncertain significance for Guanidinoacetate methyltransferase deficiency. Last evaluated: 2020-01-13. Review status: no assertion criteria provided. Collection method: clinical testing. Allele origin: germline. Not counted in ClinVar's aggregate classification.

Literature cited by the submitters: PubMed 24415674 (cited by 4 submitters); PubMed 26003046 (cited by Ambry Genetics).

NM_000156.6(GAMT):c.22C>A (p.Pro8Thr)

Genes: GAMT (guanidinoacetate N-methyltransferase; minus strand), LOC130062945 (ATAC-STARR-seq lymphoblastoid silent region 9707; plus strand). Cytogenetic location: 19p13.3.
Variant type: single nucleotide variant.
Coding change: c.22C>A on transcript NM_000156.6 (MANE Select); coding-DNA position 22, C replaced by A.
Protein change: p.Pro8Thr; replaces proline 8 with threonine.
Molecular consequence: missense variant.
Genome position (GRCh38, 1-based): chr19:1,401,455, G>T on the plus strand (C>A on the coding strand, the complement: GAMT is on the minus strand). VCF-style: chr19-1401455-G-T. GRCh37 (hg19) VCF-style: chr19-1401454-G-T.
Other names: p.P8T:CCC>ACC; NM_000156.6(GAMT):c.22C>A; c.22C>A, p.Pro8Thr (NM_138924.3); short protein forms P8T.
Identifiers: ClinVar variation 205598 (VCV000205598.19), dbSNP rs776498025, ClinGen allele CA314840.
Genomic context (GRCh38, chr19:1,401,455, plus strand): 5'-CGTAGGCCGCGGGCGCCGCCCCCCACGCGGGGCTGCAGTTCTCGCCGGGCGCGAAGATGG[G>T]GGTCGCGCTGGGGGCGCTCATGCTGCAGGCTGGACGGCGACCCGACCTCGATCGCGCGCC-3'
Protein context (NP_000147.1, residues 1-18): MSAPSAT[Pro8Thr]IFAPGENCSP